The following is an entry in ClinVar:

ClinVar aggregate classification (germline): Uncertain significance (1 of 4 stars; one submission).

Conditions:
Cohen syndrome (COH1). Also called: PEPPER SYNDROME; Cutis verticis gyrata, retinitis pigmentosa, and sensorineural deafness. Identifiers: Orphanet 193, MedGen C0265223, MONDO:0008999, OMIM 216550.

Allele frequency attached by ClinVar (database versions not stated): TOPMed below 0.00001; ExAC 0.00001; gnomAD 0.00001; gnomAD exomes 0.00001.
gnomAD v4.1: 13 of 1,614,078 alleles (0.00081%); highest among the groups gnomAD compares: South Asian, 0.012%; no homozygotes.

Submission:

Labcorp Genetics (formerly Invitae), Labcorp
Classification: Uncertain significance for Cohen syndrome. Last evaluated: 2025-09-08. Review status: criteria provided, single submitter. Criteria: Invitae Variant Classification Sherloc (09022015). Collection method: clinical testing. Allele origin: germline.
Comment: This sequence change replaces glutamine, which is neutral and polar, with arginine, which is basic and polar, at codon 3922 of the VPS13B protein (p.Gln3922Arg). This variant is present in population databases (rs745928856, gnomAD 0.003%). This variant has not been reported in the literature in individuals affected with VPS13B-related conditions. ClinVar contains an entry for this variant (Variation ID: 1406763). Invitae Evidence Modeling of protein sequence and biophysical properties (such as structural, functional, and spatial information, amino acid conservation, physicochemical variation, residue mobility, and thermodynamic stability) indicates that this missense variant is not expected to disrupt VPS13B protein function with a negative predictive value of 80%. In summary, the available evidence is currently insufficient to determine the role of this variant in disease. Therefore, it has been classified as a Variant of Uncertain Significance.

NM_152564.5(VPS13B):c.11690A>G (p.Gln3897Arg)

Gene: VPS13B (vacuolar protein sorting 13 homolog B; plus strand). Cytogenetic location: 8q22.2.
Variant type: single nucleotide variant.
Coding change: c.11690A>G on transcript NM_152564.5 (MANE Select); coding-DNA position 11690, A replaced by G.
Protein change: p.Gln3897Arg; replaces glutamine 3897 with arginine.
Molecular consequence: missense variant.
Genome position (GRCh38, 1-based): chr8:99,871,642, A>G. VCF-style: chr8-99871642-A-G. GRCh37 (hg19) VCF-style: chr8-100883870-A-G.
Other names: c.11765A>G, p.Gln3922Arg (NM_017890.5); short protein forms Q3897R, Q3922R.
Identifiers: ClinVar variation 1406763 (VCV001406763.4), dbSNP rs745928856, ClinGen allele CA4825301.